The following is an entry in ClinVar:

ClinVar aggregate classification (germline): Conflicting classifications of pathogenicity. Review status: criteria provided, conflicting classifications (1 of 4 stars). 8 submissions from 8 submitters: Uncertain significance (5); Likely benign (2). 1 of the submissions does not count toward it. Last evaluated 2026-04-16.

Conditions:
Hereditary cancer-predisposing syndrome. Also called: Tumor predisposition; Neoplastic Syndromes, Hereditary; Hereditary Cancer Syndrome; Hereditary neoplastic syndrome. Identifiers: Orphanet 140162, MedGen C0027672, MeSH D009386, MONDO:0015356.
Familial cancer of breast. Also called: Hereditary breast cancer; BREAST CANCER, FAMILIAL; hereditary breast carcinoma. Identifiers: Orphanet 227535, MedGen C0346153, MONDO:0016419, OMIM 114480. Disease mechanism: loss of function.
Ataxia-telangiectasia syndrome (AT). Also called: Ataxia-telangiectasia, complementation group D; AT, COMPLEMENTATION GROUP C; Ataxia-telangiectasia, complementation group E; Cerebello-oculocutaneous telangiectasia; Immunodeficiency with ataxia telangiectasia; Ataxia telangiectasia (A-T). Identifiers: Orphanet 100, MedGen C0004135, MONDO:0008840, OMIM 208900.
Malignant tumor of breast. Also called: Malignant breast neoplasm; Cancer breast. Identifiers: MedGen C0006142, MONDO:0007254. Disease mechanism: loss of function.

Allele frequency attached by ClinVar (database versions not stated): TOPMed below 0.00001; gnomAD 0.00001; gnomAD exomes 0.00003 and 0.00004; ExAC 0.00005.
gnomAD v4.1: 38 of 1,613,344 alleles (0.0024%); highest among the groups gnomAD compares: South Asian, 0.035%; no homozygotes.

Submissions (8):

Women's Health and Genetics/Laboratory Corporation of America, LabCorp
Classification: Uncertain significance. Last evaluated: 2026-04-16. Review status: criteria provided, single submitter. Criteria: LabCorp Variant Classification Summary - May 2015. Collection method: clinical testing. Allele origin: germline.
Comment: Variant summary: ATM c.5630T>C (p.Phe1877Ser) results in a non-conservative amino acid change in the encoded protein sequence. Algorithms developed to predict the effect of missense changes on protein structure and function are either unavailable or do not agree on the potential impact of this missense change. The variant allele was found at a frequency of 4.4e-05 in 249188 control chromosomes, predominantly at a frequency of 0.00033 within the South Asian subpopulation in the gnomAD database. This frequency is not significantly higher than estimated for disease-causing variants in ATM, allowing no conclusion about variant significance. c.5630T>C has been observed in individual(s) affected with breast cancer or non-Hodgkin lymphoma, without strong evidence for causality (example, Ahmad_2024, Sipahimalani_2007, Petrackova_2022). These report(s) do not provide unequivocal conclusions about association of the variant with ATM-related conditions. To our knowledge, no experimental evidence demonstrating an impact on protein function has been reported. The following publications have been ascertained in the context of this evaluation (PMID: 38784039, 17640065, 36029002). ClinVar contains an entry for this variant (Variation ID: 181968). Based on the evidence outlined above, the variant was classified as uncertain significance.

Labcorp Genetics (formerly Invitae), Labcorp
Classification: Likely benign for Ataxia-telangiectasia syndrome. Last evaluated: 2026-01-25. Review status: criteria provided, single submitter. Criteria: Invitae Variant Classification Sherloc (09022015). Collection method: clinical testing. Allele origin: germline.

Color Diagnostics, LLC DBA Color Health
Classification: Uncertain significance for Hereditary cancer-predisposing syndrome. Last evaluated: 2025-10-21. Review status: criteria provided, single submitter. Criteria: ACMG Guidelines, 2015. Collection method: clinical testing. Allele origin: germline.
Comment: This missense variant replaces phenylalanine with serine at codon 1877 of the ATM protein. Computational prediction suggests that this variant may not impact protein structure and function. To our knowledge, functional studies have not been reported for this variant. In a large international case-control meta-analysis, this variant was reported in 2/60466 breast cancer cases and 1/53461 controls (PMID: 33471991). This variant has also been reported in an individual affected with non-Hodgkin lymphoma (PMID: 17640065). This variant has been identified in 11/249188 chromosomes in the general population by the Genome Aggregation Database (gnomAD). The available evidence is insufficient to determine the role of this variant in disease conclusively. Therefore, this variant is classified as a Variant of Uncertain Significance.

Institute for Clinical Genetics, University Hospital TU Dresden, University Hospital TU Dresden
Classification: Uncertain significance. Last evaluated: 2021-11-03. Review status: criteria provided, single submitter. Criteria: ACMG Guidelines, 2015. Collection method: clinical testing. Allele origin: germline.

GeneDx
Classification: Uncertain significance. Last evaluated: 2019-10-01. Review status: criteria provided, single submitter. Criteria: GeneDx Variant Classification Process June 2021. Collection method: clinical testing. Allele origin: germline. Affected: yes.
Comment: In silico analysis, which includes protein predictors and evolutionary conservation, supports that this variant does not alter protein structure/function; Observed in individuals with non-Hodgkin lymphoma (Sipahimalani 2007); This variant is associated with the following publications: (PMID: 17640065)

Ambry Genetics
Classification: Likely benign for Hereditary cancer-predisposing syndrome. Last evaluated: 2019-01-17. Review status: criteria provided, single submitter. Criteria: Ambry Variant Classification Scheme 2023. Collection method: clinical testing. Allele origin: germline.

Neuberg Centre For Genomic Medicine, NCGM
Classification: Uncertain significance for Familial cancer of breast. Review status: criteria provided, single submitter. Criteria: ACMG Guidelines, 2015. Collection method: clinical testing. Allele origin: germline. Inheritance: Autosomal dominant inheritance. Affected: yes.
Comment: The missense c.5630T>C (p.Phe1877Ser) variant in ATM gene has been submitted to ClinVar as a Variant of Uncertain Significance, but no details are available for independent assessment. It has not been reported in affected individuals. The p.Val151Met variant is observed in 0.004% alleles in gnomAD Exomes and is novel (not in any individuals) in 1000 Genomes. The amino acid Phe at position 1877 is changed to a Ser changing protein sequence and it might alter its composition and physico-chemical properties. The amino acid change p.Phe1877Ser in ATM is predicted as conserved by PhyloP across 100 vertebrates. For these reasons, this variant has been classified as Uncertain significance.

Department of Pathology and Laboratory Medicine, Sinai Health System
Classification: Uncertain significance for Malignant tumor of breast. Review status: no assertion criteria provided. Collection method: clinical testing. Allele origin: unknown. Affected: yes. Observed: 2 variant alleles. Study: The Canadian Open Genetics Repository (COGR). Not counted in ClinVar's aggregate classification.
Comment: The ATM p.Phe1877Ser variant was not identified in the literature nor was it identified in the following databases: COGR, Cosmic, MutDB, or LOVD 3.0. The variant was identified in dbSNP (ID: rs202028401) â€šÃ„ÃºWith Uncertain significance alleleâ€šÃ„Ã¹, ClinVar (classified uncertain significance by GeneDx and Invitae), Clinvitae (2x), and in control databases in 11 of 244076 chromosomes at a frequency of 0.00005 (Genome Aggregation Database Feb 27, 2017). It was observed in the following populations: European Non-Finnish in 1 of 110796 chromosomes (freq: 0.000009), and South Asian in 10 of 30752 chromosomes (freq: 0.0003); it was not observed in the African, â€šÃ„ÃºOtherâ€šÃ„Ã¹, Latino, Ashkenazi Jewish, East Asian, European Finnish populations. The p.Phe1877Ser residue is not conserved in mammals and four out of five computational analyses (PolyPhen-2, SIFT, AlignGVGD, BLOSUM, MutationTaster) do not suggest a high likelihood of impact to the protein; however, this information is not predictive enough to rule out pathogenicity. The variant occurs outside of the splicing consensus sequence and in silico or computational prediction software programs (SpliceSiteFinder, MaxEntScan, NNSPLICE, GeneSplicer, HumanSpliceFinder) do not predict a difference in splicing. In summary, based on the above information the clinical significance of this variant cannot be determined with certainty at this time. This variant is classified as a variant of uncertain significance.

Literature cited by the submitters: PubMed 17640065 (cited by Women's Health and Genetics/Laboratory Corporation of America, LabCorp and Color Diagnostics, LLC DBA Color Health); PubMed 36029002 (cited by Women's Health and Genetics/Laboratory Corporation of America, LabCorp); PubMed 38784039 (cited by Women's Health and Genetics/Laboratory Corporation of America, LabCorp); PubMed 33471991 (cited by Color Diagnostics, LLC DBA Color Health).

NM_000051.4(ATM):c.5630T>C (p.Phe1877Ser)

Gene: ATM (ATM serine/threonine kinase; plus strand). Cytogenetic location: 11q22.3.
Variant type: single nucleotide variant.
Coding change: c.5630T>C on transcript NM_000051.4 (MANE Select); coding-DNA position 5630, T replaced by C.
Protein change: p.Phe1877Ser; replaces phenylalanine 1877 with serine.
Molecular consequence: missense variant.
Genome position (GRCh38, 1-based): chr11:108,304,808, T>C. VCF-style: chr11-108304808-T-C. GRCh37 (hg19) VCF-style: chr11-108175535-T-C.
Other names: p.F1877S:TTC>TCC; c.5630T>C, p.Phe1877Ser (NM_001351834.2); short protein forms F1877S.
Identifiers: ClinVar variation 181968 (VCV000181968.31), dbSNP rs202028401, ClinGen allele CA298278.